The following is an entry in ClinVar:

NM_007118.4(TRIO):c.1368+19del

Gene: TRIO (trio Rho guanine nucleotide exchange factor; plus strand). Cytogenetic location: 5p15.2.
Variant type: Deletion.
Coding change: c.1368+19del on transcript NM_007118.4 (MANE Select); 19 bases into the intron after coding-DNA position 1368, one base deleted (C; older notation c.1368+19delC).
Molecular consequence: intron variant.
Genome position (GRCh38, 1-based): chr5:14,297,282, C deleted; the last of 5 consecutive C bases (chr5:14,297,278-14,297,282); deleting any one gives the same sequence. VCF-style (leftmost placement, unchanged base first): chr5-14297277-AC-A. GRCh37 (hg19) VCF-style: chr5-14297386-AC-A.
Identifiers: ClinVar variation 2627168 (VCV002627168.1), dbSNP rs757525367, ClinGen allele CA3205615.

ClinVar aggregate classification (germline): Likely benign (1 of 4 stars; one submission).

Submission:

Women's Health and Genetics/Laboratory Corporation of America, LabCorp
Classification: Likely benign. Last evaluated: 2023-09-08. Review status: criteria provided, single submitter. Criteria: LabCorp Variant Classification Summary - May 2015. Collection method: clinical testing. Allele origin: germline.
Comment: Variant summary: TRIO c.1368+19delC alters a non-conserved nucleotide located at a position not widely known to affect splicing. Consensus agreement among computation tools predict no significant impact on normal splicing. However, these predictions have yet to be confirmed by functional studies. The variant allele was found at a frequency of 8.2e-06 in 245010 control chromosomes. The available data on variant occurrences in the general population are insufficient to allow any conclusion about variant significance. To our knowledge, no occurrence of c.1368+19delC in individuals affected with TRIO-Related Intellectual Disability and no experimental evidence demonstrating its impact on protein function have been reported. No submitters have cited clinical-significance assessments for this variant to ClinVar after 2014. Based on the evidence outlined above, the variant was classified as likely benign.